The following is an entry in ClinVar:

ClinVar aggregate classification (germline): Uncertain significance (1 of 4 stars; one submission).

Conditions:
Long QT syndrome (LQTS). Identifiers: MedGen C0023976, MeSH D008133, MONDO:0002442. Disease mechanism: loss of function. Inheritance: Various modes of inheritance.

Submission:

Labcorp Genetics (formerly Invitae), Labcorp
Classification: Uncertain significance for Long QT syndrome. Last evaluated: 2020-04-01. Review status: criteria provided, single submitter. Criteria: Invitae Variant Classification Sherloc (09022015). Collection method: clinical testing. Allele origin: germline.
Comment: This sequence change replaces lysine with glutamic acid at codon 501 of the CACNA1C protein (p.Lys501Glu). The lysine residue is moderately conserved and there is a small physicochemical difference between lysine and glutamic acid. This variant is not present in population databases (ExAC no frequency). In summary, the available evidence is currently insufficient to determine the role of this variant in disease. Therefore, it has been classified as a Variant of Uncertain Significance. Algorithms developed to predict the effect of missense changes on protein structure and function are either unavailable or do not agree on the potential impact of this missense change (SIFT: "Deleterious"; PolyPhen-2: "Possibly Damaging"; Align-GVGD: "Class C0"). This variant has not been reported in the literature in individuals with CACNA1C-related conditions.

NM_000719.7(CACNA1C):c.1501A>G (p.Lys501Glu)

Gene: CACNA1C (calcium voltage-gated channel subunit alpha1 C; plus strand). Cytogenetic location: 12p13.33.
Variant type: single nucleotide variant.
Coding change: c.1501A>G on transcript NM_000719.7 (MANE Select); coding-DNA position 1501, A replaced by G.
Protein change: p.Lys501Glu; replaces lysine 501 with glutamic acid.
Molecular consequence: missense variant.
Genome position (GRCh38, 1-based): chr12:2,556,970, A>G. VCF-style: chr12-2556970-A-G. GRCh37 (hg19) VCF-style: chr12-2666136-A-G.
Other names: c.1501A>G, p.Lys501Glu (NM_001129827.2, NM_001129829.2, NM_001129830.3 and 18 more transcripts); c.1492A>G, p.Lys498Glu (NM_001129844.2); short protein forms K501E, K498E.
Identifiers: ClinVar variation 1038253 (VCV001038253.9), dbSNP rs1555785224, ClinGen allele CA383368348.